The following is an entry in ClinVar:

NM_000466.3(PEX1):c.36_38dup (p.Gly14dup)

Genes: PEX1 (peroxisomal biogenesis factor 1; minus strand), LOC129998796 (ATAC-STARR-seq lymphoblastoid silent region 18372; plus strand). Cytogenetic location: 7q21.2.
Variant type: Duplication.
Coding change: c.36_38dup on transcript NM_000466.3 (MANE Select); coding-DNA positions 36 to 38, 3 bases duplicated (AGG; older notation c.36_38dupAGG).
Protein change: p.Gly14dup; duplicates glycine 14.
Molecular consequence: inframe insertion. On other transcripts: 5 prime UTR variant (1).
Genome position (GRCh38, 1-based): chr7:92,528,398-92,528,400, CCT duplicated on the plus strand (AGG on the coding strand, the reverse complement: PEX1 is on the minus strand); duplicating any 3 consecutive bases within chr7:92,528,398-92,528,402 gives the same sequence; the c. name uses the placement nearest the transcript's 3' end. VCF-style (leftmost placement, unchanged base first): chr7-92528397-G-GCCT. GRCh37 (hg19) VCF-style: chr7-92157711-G-GCCT.
Other names: c.36_38dup, p.Gly14dup (NM_001282677.2); c.-624_-622dup (NM_001282678.2); c.36_38dupAGG (NM_000466.2).
Identifiers: ClinVar variation 553401 (VCV000553401.3), dbSNP rs1554378403, ClinGen allele CA658823131.

ClinVar aggregate classification (germline): Uncertain significance. Review status: criteria provided, single submitter (1 of 4 stars). 2 submissions from 2 submitters: Uncertain significance (1). 1 of the submissions does not count toward it. Last evaluated 2026-01-24.

Conditions:
Zellweger spectrum disorders (ZS). Also called: Zellweger Spectrum Disorder; Zellweger Spectrum; Zellweger Spectrum Disorder (ZSD); Zellweger syndrome. Identifiers: Orphanet 912, MedGen C0043459, MONDO:0019609.
Peroxisome biogenesis disorder 1A (Zellweger) (PBD1A). Also called: Peroxisome biogenesis disorder 1a; Zellweger leukodystrophy. Identifiers: MedGen C4721541, MONDO:0008953, OMIM 214100.

Submissions (2):

Labcorp Genetics (formerly Invitae), Labcorp
Classification: Uncertain significance for Zellweger spectrum disorders. Last evaluated: 2026-01-24. Review status: criteria provided, single submitter. Criteria: Invitae Variant Classification Sherloc (09022015). Collection method: clinical testing. Allele origin: germline.
Comment: This variant, c.36_38dup, results in the insertion of 1 amino acid(s) of the PEX1 protein (p.Gly14dup), but otherwise preserves the integrity of the reading frame. This variant is not present in population databases (gnomAD no frequency). This variant has not been reported in the literature in individuals affected with PEX1-related conditions. ClinVar contains an entry for this variant (Variation ID: 553401). Experimental studies and prediction algorithms are not available or were not evaluated, and the functional significance of this variant is currently unknown. In summary, the available evidence is currently insufficient to determine the role of this variant in disease. Therefore, it has been classified as a Variant of Uncertain Significance.

Counsyl
Classification: Uncertain significance for Peroxisome biogenesis disorder 1A (Zellweger). Last evaluated: 2017-08-18. Review status: no assertion criteria provided. Collection method: clinical testing. Allele origin: unknown. Not counted in ClinVar's aggregate classification.